The following is an entry in ClinVar:

ClinVar aggregate classification (germline): Pathogenic. Review status: criteria provided, multiple submitters, no conflicts (2 of 4 stars). 2 submissions from 2 submitters: Pathogenic (2). Last evaluated 2024-03-07.

Conditions:
KCNQ2-Related Disorders. Also called: KCNQ2-related condition; KCNQ2-related disorder. Identifiers: MedGen CN169299.
Early-infantile DEE. Also called: Early infantile epileptic encephalopathy; Ohtahara syndrome; Early infantile epileptic encephalopathy with suppression bursts. Identifiers: Orphanet 1934, MedGen C0393706, MONDO:0800491.

Submissions (2):

Labcorp Genetics (formerly Invitae), Labcorp
Classification: Pathogenic for Early-infantile DEE. Last evaluated: 2024-03-07. Review status: criteria provided, single submitter. Criteria: Invitae Variant Classification Sherloc (09022015). Collection method: clinical testing. Allele origin: germline.
Comment: This sequence change replaces asparagine, which is neutral and polar, with serine, which is neutral and polar, at codon 190 of the KCNQ2 protein (p.Asn190Ser). This variant is not present in population databases (gnomAD no frequency). This missense change has been observed in individual(s) with epilepsy (PMID: 27602407). In at least one individual the variant was observed to be de novo. Advanced modeling of protein sequence and biophysical properties (such as structural, functional, and spatial information, amino acid conservation, physicochemical variation, residue mobility, and thermodynamic stability) performed at Invitae indicates that this missense variant is expected to disrupt KCNQ2 protein function with a positive predictive value of 95%. For these reasons, this variant has been classified as Pathogenic.

Women's Health and Genetics/Laboratory Corporation of America, LabCorp
Classification: Pathogenic for KCNQ2-Related Disorders. Last evaluated: 2024-02-08. Review status: criteria provided, single submitter. Criteria: LabCorp Variant Classification Summary - May 2015. Collection method: clinical testing. Allele origin: germline.
Comment: Variant summary: KCNQ2 c.569A>G (p.Asn190Ser) results in a conservative amino acid change located in the Ion transport domain (IPR005821) of the encoded protein sequence. Three of five in-silico tools predict a benign effect of the variant on protein function. The variant was absent in 239068 control chromosomes. c.569A>G has been reported, either arising de novo or being inherited from affected parent, in individuals affected with KCNQ2 encephalopathy, Infantile spasms, and Self-Limited Familial Infantile Epilepsy (example, Millichap_2016, Zhang_2020, Innes_2024). These data indicate that the variant is very likely to be associated with disease. To our knowledge, no experimental evidence demonstrating an impact on protein function has been reported. The following publications have been ascertained in the context of this evaluation (PMID: 27602407, 32179837, 38160512). No submitters have cited clinical-significance assessments for this variant to ClinVar. Based on the evidence outlined above, the variant was classified as pathogenic.

Literature cited by the submitters: PubMed 27602407 (cited by Labcorp Genetics (formerly Invitae), Labcorp and Women's Health and Genetics/Laboratory Corporation of America, LabCorp); PubMed 38160512 (cited by Women's Health and Genetics/Laboratory Corporation of America, LabCorp); PubMed 32179837 (cited by Women's Health and Genetics/Laboratory Corporation of America, LabCorp).

NM_172107.4(KCNQ2):c.569A>G (p.Asn190Ser)

Gene: KCNQ2 (potassium voltage-gated channel subfamily Q member 2; minus strand). Cytogenetic location: 20q13.33.
Variant type: single nucleotide variant.
Coding change: c.569A>G on transcript NM_172107.4 (MANE Select); coding-DNA position 569, A replaced by G.
Protein change: p.Asn190Ser; replaces asparagine 190 with serine.
Molecular consequence: missense variant.
Genome position (GRCh38, 1-based): chr20:63,444,780, T>C on the plus strand (A>G on the coding strand, the complement: KCNQ2 is on the minus strand). VCF-style: chr20-63444780-T-C. GRCh37 (hg19) VCF-style: chr20-62076133-T-C.
Other names: c.569A>G, p.Asn190Ser (NM_001382235.1, NM_004518.6, NM_172106.3 and 2 more transcripts); short protein forms N190S.
Identifiers: ClinVar variation 3068827 (VCV003068827.4), dbSNP rs2145775795, ClinGen allele CA409654864.
Genomic context (GRCh38, chr20:63,444,780, plus strand): 5'-CGGATCATCCGCAGAATCTGCAGGAAGCGCAGGCTCCGGAGCGCAGATGTGGCAAAGACG[T>C]TGCCCTGGGAGCCGGCGGCCAGCACCGCAATGGAGGCGATGAGCACCATGATGTCTACAA-3'
Protein context (NP_742105.1, residues 180-200): IAVLAAGSQG[Asn190Ser]VFATSALRSL